The following is an entry in ClinVar:

NM_145868.2(ANXA11):c.164C>T (p.Ser55Leu)

Gene: ANXA11 (annexin A11; minus strand). Cytogenetic location: 10q22.3.
Variant type: single nucleotide variant.
Coding change: c.164C>T on transcript NM_145868.2 (MANE Select); coding-DNA position 164, C replaced by T.
Protein change: p.Ser55Leu; replaces serine 55 with leucine.
Molecular consequence: missense variant.
Genome position (GRCh38, 1-based): chr10:80,170,807, G>A on the plus strand (C>T on the coding strand, the complement: ANXA11 is on the minus strand). VCF-style: chr10-80170807-G-A. GRCh37 (hg19) VCF-style: chr10-81930563-G-A.
Other names: c.164C>T, p.Ser55Leu (NM_001157.3, NM_001278407.2, NM_001278408.2 and 1 more transcripts); c.65C>T, p.Ser22Leu (NM_001278409.2); short protein forms S22L, S55L.
Identifiers: ClinVar variation 2017171 (VCV002017171.5), dbSNP rs1416413633, ClinGen allele CA377368723.

ClinVar aggregate classification (germline): Uncertain significance. Review status: criteria provided, multiple submitters, no conflicts (2 of 4 stars). 2 submissions from 2 submitters: Uncertain significance (2). Last evaluated 2023-12-19.

Conditions:
Inborn genetic diseases. Identifiers: MedGen C0950123, MeSH D030342.

Allele frequency attached by ClinVar (database versions not stated): gnomAD 0.00001; gnomAD exomes 0.00001; TOPMed 0.00001.
gnomAD v4.1: 14 of 1,481,510 alleles (0.00094%); highest among the groups gnomAD compares: East Asian, 0.0049%; no homozygotes.

Submissions (2):

Labcorp Genetics (formerly Invitae), Labcorp
Classification: Uncertain significance. Last evaluated: 2023-12-19. Review status: criteria provided, single submitter. Criteria: Invitae Variant Classification Sherloc (09022015). Collection method: clinical testing. Allele origin: germline.
Comment: This sequence change replaces serine, which is neutral and polar, with leucine, which is neutral and non-polar, at codon 55 of the ANXA11 protein (p.Ser55Leu). The frequency data for this variant in the population databases is considered unreliable, as metrics indicate poor data quality at this position in the gnomAD database. This variant has not been reported in the literature in individuals affected with ANXA11-related conditions. ClinVar contains an entry for this variant (Variation ID: 2017171). Algorithms developed to predict the effect of missense changes on protein structure and function output the following: SIFT: "Not Available"; PolyPhen-2: "Not Available"; Align-GVGD: "Not Available". The leucine amino acid residue is found in multiple mammalian species, which suggests that this missense change does not adversely affect protein function. In summary, the available evidence is currently insufficient to determine the role of this variant in disease. Therefore, it has been classified as a Variant of Uncertain Significance.

Ambry Genetics
Classification: Uncertain significance for Inborn genetic diseases. Last evaluated: 2021-09-15. Review status: criteria provided, single submitter. Criteria: Ambry Variant Classification Scheme 2023. Collection method: clinical testing. Allele origin: germline.